The following is an entry in ClinVar:

NM_001387274.1(DCDC1):c.1457C>T (p.Thr486Met)

Gene: DCDC1 (doublecortin domain containing 1; minus strand). Cytogenetic location: 11p13.
Variant type: single nucleotide variant.
Coding change: c.1457C>T on transcript NM_001387274.1 (MANE Select); coding-DNA position 1457, C replaced by T.
Protein change: p.Thr486Met; replaces threonine 486 with methionine.
Molecular consequence: missense variant. On other transcripts: non-coding transcript variant (1).
Genome position (GRCh38, 1-based): chr11:31,127,497, G>A on the plus strand (C>T on the coding strand, the complement: DCDC1 is on the minus strand). VCF-style: chr11-31127497-G-A. GRCh37 (hg19) VCF-style: chr11-31149044-G-A.
Other names: NM_001350255.1:c.314C>T; c.1457C>T, p.Thr486Met (NM_001367979.1); short protein forms T486M.
Identifiers: ClinVar variation 3044067 (VCV003044067.2), dbSNP rs75249430, ClinGen allele CA5932393.

ClinVar aggregate classification (germline): Benign (0 of 4 stars; one submission).

Conditions:
DCDC1-related disorder. Also called: DCDC1-related condition.

Allele frequency attached by ClinVar (database versions not stated): TOPMed 0.00968; gnomAD exomes 0.00097; ExAC 0.00147; gnomAD 0.00840; 1000 Genomes Project 0.00919; 1000 Genomes Project 30x 0.00937.
gnomAD v4.1: 1,859 of 702,568 alleles (0.26%); highest among the groups gnomAD compares: African/African-American, 2.8%; 26 homozygotes.

Submission:

PreventionGenetics, part of Exact Sciences
Classification: Benign for DCDC1-related condition. Last evaluated: 2019-06-07. Review status: no assertion criteria provided. Collection method: clinical testing. Allele origin: germline.
Comment: This variant is classified as benign based on ACMG/AMP sequence variant interpretation guidelines (Richards et al. 2015 PMID: 25741868, with internal and published modifications).